The following is an entry in ClinVar:

NM_000059.4(BRCA2):c.1777G>T (p.Ala593Ser)

Gene: BRCA2 (BRCA2 DNA repair associated; plus strand). Cytogenetic location: 13q13.1.
Variant type: single nucleotide variant.
Coding change: c.1777G>T on transcript NM_000059.4 (MANE Select); coding-DNA position 1777, G replaced by T.
Protein change: p.Ala593Ser; replaces alanine 593 with serine.
Molecular consequence: missense variant.
Genome position (GRCh38, 1-based): chr13:32,333,255, G>T. VCF-style: chr13-32333255-G-T. GRCh37 (hg19) VCF-style: chr13-32907392-G-T.
Other names: 2005G>T; short protein forms A593S.
Identifiers: ClinVar variation 96770 (VCV000096770.20), dbSNP rs431825286, ClinGen allele CA013186.

ClinVar aggregate classification (germline): Conflicting classifications of pathogenicity. Review status: criteria provided, conflicting classifications (1 of 4 stars). 6 submissions from 6 submitters: Uncertain significance (3); Likely benign (2). 1 of the submissions does not count toward it. Last evaluated 2025-12-07.

Conditions:
Hereditary cancer-predisposing syndrome. Also called: Hereditary Cancer Syndrome; Neoplastic Syndromes, Hereditary; Hereditary neoplastic syndrome; Tumor predisposition. Identifiers: Orphanet 140162, MedGen C0027672, MeSH D009386, MONDO:0015356.
Hereditary breast ovarian cancer syndrome. Also called: Breast and ovarian cancer; Hereditary breast and/or ovarian cancer syndrome; Hereditary breast and ovarian cancer; Hereditary breast and ovarian cancer syndrome; Hereditary breast and ovarian cancer syndrome (HBOC); BRCA1- and BRCA2-Associated Hereditary Breast and Ovarian Cancer. Identifiers: Orphanet 145, MedGen C0677776, MeSH D061325, MONDO:0003582. Disease mechanism: loss of function.
Breast-ovarian cancer, familial, susceptibility to, 2 (BROVCA2). Also called: BRCA2 Hereditary Breast and Ovarian Cancer. Identifiers: Orphanet 145, MedGen C2675520, MONDO:0012933, OMIM 612555. Disease mechanism: loss of function.

Allele frequency attached by ClinVar (database versions not stated): TOPMed below 0.00001.

Submissions (6):

Ambry Genetics
Classification: Uncertain significance for Hereditary cancer-predisposing syndrome. Last evaluated: 2025-12-07. Review status: criteria provided, single submitter. Criteria: Ambry Variant Classification Scheme 2023. Collection method: clinical testing. Allele origin: germline.
Comment: The p.A593S variant (also known as c.1777G>T), located in coding exon 9 of the BRCA2 gene, results from a G to T substitution at nucleotide position 1777. The alanine at codon 593 is replaced by serine, an amino acid with similar properties. This amino acid position is not well conserved in available vertebrate species, and serine is the reference amino acid in multiple other vertebrate species. In addition, this alteration is predicted to be tolerated by in silico analysis. Since supporting evidence is limited at this time, the clinical significance of this alteration remains unclear.

Center for Genomic Medicine, Rigshospitalet, Copenhagen University Hospital
Classification: Likely benign. Last evaluated: 2025-03-04. Review status: criteria provided, single submitter. Criteria: ACMG Guidelines, 2015. Collection method: clinical testing. Allele origin: germline.

All of Us Research Program, National Institutes of Health
Classification: Uncertain significance for Breast-ovarian cancer, familial, susceptibility to, 2. Last evaluated: 2023-12-01. Review status: criteria provided, single submitter. Criteria: ACMG Guidelines, 2015. Collection method: clinical testing. Allele origin: germline. Inheritance: Autosomal dominant inheritance. Observed: 1 variant allele, 1 heterozygote.
Comment: This study involves interpretation of variants in research participants for the purpose of population health screening. Participant phenotype was not available at the time of variant classification. Additional details can be found in publication PMID: 35346344, PMCID: PMC8962531

University of Washington Department of Laboratory Medicine, University of Washington
Classification: Likely benign for Hereditary cancer-predisposing syndrome. Last evaluated: 2023-03-23. Review status: criteria provided, single submitter. Criteria: Dines et al. (Genet Med. 2020). Collection method: curation. Allele origin: germline.
Comment: Missense variant in a coldspot region where missense variants are very unlikely to be pathogenic (PMID:31911673).

BRCA2 exon 10 coldspot. Reclassification based on statistical prior probability.

Labcorp Genetics (formerly Invitae), Labcorp
Classification: Uncertain significance for Hereditary breast ovarian cancer syndrome. Last evaluated: 2022-11-14. Review status: criteria provided, single submitter. Criteria: Invitae Variant Classification Sherloc (09022015). Collection method: clinical testing. Allele origin: germline.
Comment: In summary, the available evidence is currently insufficient to determine the role of this variant in disease. Therefore, it has been classified as a Variant of Uncertain Significance. Advanced modeling of protein sequence and biophysical properties (such as structural, functional, and spatial information, amino acid conservation, physicochemical variation, residue mobility, and thermodynamic stability) performed at Invitae indicates that this missense variant is not expected to disrupt BRCA2 protein function. ClinVar contains an entry for this variant (Variation ID: 96770). This variant has not been reported in the literature in individuals affected with BRCA2-related conditions. This variant is not present in population databases (gnomAD no frequency). This sequence change replaces alanine, which is neutral and non-polar, with serine, which is neutral and polar, at codon 593 of the BRCA2 protein (p.Ala593Ser).

Sharing Clinical Reports Project (SCRP)
Classification: Uncertain significance for Breast-ovarian cancer, familial 2. Last evaluated: 2009-07-17. Review status: no assertion criteria provided. Collection method: clinical testing. Allele origin: germline. Not counted in ClinVar's aggregate classification.